The following is an entry in ClinVar:

NM_001378615.1(CC2D2A):c.3079G>T (p.Gly1027Cys)

Genes: CC2D2A (coiled-coil and C2 domain containing 2A; plus strand), FBXL5 (F-box and leucine rich repeat protein 5; minus strand). Cytogenetic location: 4p15.32.
Variant type: single nucleotide variant.
Coding change: c.3079G>T on transcript NM_001378615.1 (MANE Select); coding-DNA position 3079, G replaced by T.
Protein change: p.Gly1027Cys; replaces glycine 1027 with cysteine.
Molecular consequence: missense variant.
Genome position (GRCh38, 1-based): chr4:15,563,419, G>T. VCF-style: chr4-15563419-G-T. GRCh37 (hg19) VCF-style: chr4-15565042-G-T.
Other names: c.3079G>T, p.Gly1027Cys (NM_001080522.2); c.2932G>T, p.Gly978Cys (NM_001378617.1); short protein forms G1027C, G978C.
Identifiers: ClinVar variation 1914734 (VCV001914734.2), dbSNP rs1366543476, ClinGen allele CA356415750.

ClinVar aggregate classification (germline): Uncertain significance (1 of 4 stars; one submission).

Conditions:
Joubert syndrome. Also called: Familial aplasia of the vermis; JOUBERT-BOLTSHAUSER SYNDROME. Identifiers: Orphanet 475, MedGen C5979921, MONDO:0018772.
Meckel-Gruber syndrome. Also called: Dysencephalia splachnocystica; DYSENCEPHALIA SPLANCHNOCYSTICA; GRUBER SYNDROME. Identifiers: Orphanet 564, MedGen C0265215, MONDO:0018921.

Allele frequency attached by ClinVar (database versions not stated): gnomAD exomes below 0.00001.
gnomAD v4.1: 4 of 1,610,062 alleles (0.00025%); highest among the groups gnomAD compares: Non-Finnish European, 0.00034%; no homozygotes.

Submission:

Labcorp Genetics (formerly Invitae), Labcorp
Classification: Uncertain significance for Joubert syndrome; Meckel-Gruber syndrome. Last evaluated: 2022-04-30. Review status: criteria provided, single submitter. Criteria: Invitae Variant Classification Sherloc (09022015). Collection method: clinical testing. Allele origin: germline.
Comment: This sequence change replaces glycine, which is neutral and non-polar, with cysteine, which is neutral and slightly polar, at codon 1027 of the CC2D2A protein (p.Gly1027Cys). The frequency data for this variant in the population databases is considered unreliable, as metrics indicate poor data quality at this position in the gnomAD database. This variant has not been reported in the literature in individuals affected with CC2D2A-related conditions. Advanced modeling of protein sequence and biophysical properties (such as structural, functional, and spatial information, amino acid conservation, physicochemical variation, residue mobility, and thermodynamic stability) performed at Invitae indicates that this missense variant is expected to disrupt CC2D2A protein function. In summary, the available evidence is currently insufficient to determine the role of this variant in disease. Therefore, it has been classified as a Variant of Uncertain Significance.